The following is an entry in ClinVar:

NM_006231.4(POLE):c.494A>C (p.Lys165Thr)

Gene: POLE (DNA polymerase epsilon, catalytic subunit; minus strand). Cytogenetic location: 12q24.33.
Variant type: single nucleotide variant.
Coding change: c.494A>C on transcript NM_006231.4 (MANE Select); coding-DNA position 494, A replaced by C.
Protein change: p.Lys165Thr; replaces lysine 165 with threonine.
Molecular consequence: missense variant.
Genome position (GRCh38, 1-based): chr12:132,679,581, T>G on the plus strand (A>C on the coding strand, the complement: POLE is on the minus strand). VCF-style: chr12-132679581-T-G. GRCh37 (hg19) VCF-style: chr12-133256167-T-G.
Other names: c.494A>C (NM_006231.2); short protein forms K165T.
Identifiers: ClinVar variation 405616 (VCV000405616.9), dbSNP rs1060500782, ClinGen allele CA16614053.
Genomic context (GRCh38, chr12:132,679,581, plus strand): 5'-TCGCTGGCGTGATCCTGCTCCCTGTTCTTCTTCACGGCAGGGGAGATCTCCTTCCTCACT[T>G]TGACAAGATCCTCCACAGTGTGGAAGGACAGCCTGATGTAATTTCGCTTCAAACCCACCA-3'
Protein context (NP_006222.2, residues 155-175): LSFHTVEDLV[Lys165Thr]VRKEISPAVK

ClinVar aggregate classification (germline): Conflicting classifications of pathogenicity. Review status: criteria provided, conflicting classifications (1 of 4 stars). 2 submissions from 2 submitters: Uncertain significance (1); Likely benign (1). Last evaluated 2025-08-05.

Conditions:
Hereditary cancer-predisposing syndrome. Also called: Hereditary Cancer Syndrome; Hereditary neoplastic syndrome; Neoplastic Syndromes, Hereditary; Tumor predisposition. Identifiers: Orphanet 140162, MedGen C0027672, MeSH D009386, MONDO:0015356.

Allele frequency attached by ClinVar (database versions not stated): gnomAD exomes below 0.00001.
gnomAD v4.1: 1 of 1,614,116 alleles (0.000062%); highest among the groups gnomAD compares: Non-Finnish European, 0.000085%; no homozygotes.

Submissions (2):

Ambry Genetics
Classification: Likely benign for Hereditary cancer-predisposing syndrome. Last evaluated: 2025-08-05. Review status: criteria provided, single submitter. Criteria: Ambry Variant Classification Scheme 2023. Collection method: clinical testing. Allele origin: germline.

Labcorp Genetics (formerly Invitae), Labcorp
Classification: Uncertain significance. Last evaluated: 2022-02-09. Review status: criteria provided, single submitter. Criteria: Invitae Variant Classification Sherloc (09022015). Collection method: clinical testing. Allele origin: germline.
Comment: Algorithms developed to predict the effect of sequence changes on RNA splicing suggest that this variant may create or strengthen a splice site. Algorithms developed to predict the effect of missense changes on protein structure and function are either unavailable or do not agree on the potential impact of this missense change (SIFT: "Deleterious"; PolyPhen-2: "Benign"; Align-GVGD: "Class C0"). ClinVar contains an entry for this variant (Variation ID: 405616). This variant has not been reported in the literature in individuals affected with POLE-related conditions. This variant is not present in population databases (gnomAD no frequency). This sequence change replaces lysine, which is basic and polar, with threonine, which is neutral and polar, at codon 165 of the POLE protein (p.Lys165Thr). In summary, the available evidence is currently insufficient to determine the role of this variant in disease. Therefore, it has been classified as a Variant of Uncertain Significance.